The following is an entry in ClinVar:

NM_181552.4(CUX1):c.190-2A>G

Gene: CUX1 (cut like homeobox 1; plus strand). Cytogenetic location: 7q22.1.
Variant type: single nucleotide variant.
Coding change: c.190-2A>G on transcript NM_181552.4 (MANE Select); the canonical splice acceptor site of the intron before coding-DNA position 190, A replaced by G.
Molecular consequence: splice acceptor variant.
Genome position (GRCh38, 1-based): chr7:102,070,337, A>G. VCF-style: chr7-102070337-A-G. GRCh37 (hg19) VCF-style: chr7-101713617-A-G.
Other names: c.223-2A>G (NM_001913.5, NM_181500.4, NM_001202545.3 and 1 more transcripts); c.175-2A>G (NM_001202544.3); c.112-2A>G (NM_001202546.3).
Identifiers: ClinVar variation 1803930 (VCV001803930.1), dbSNP rs2536316406, ClinGen allele CA368904424.

ClinVar aggregate classification (germline): Pathogenic (1 of 4 stars; one submission).

Conditions:
Global developmental delay with or without impaired intellectual development. Identifiers: MedGen C5193032, MONDO:0032680, OMIM 618330.

Submission:

Institute of Human Genetics, University of Leipzig Medical Center
Classification: Pathogenic for Global developmental delay with or without impaired intellectual development. Last evaluated: 2022-12-19. Review status: criteria provided, single submitter. Criteria: ACMG Guidelines, 2015. Collection method: clinical testing. Allele origin: de novo. Affected: yes.
Comment: Criteria applied: PVS1, PS2_Moderate, PM2_Supporting